The following is an entry in ClinVar:

ClinVar aggregate classification (germline): Uncertain significance (1 of 4 stars; one submission).

Allele frequency attached by ClinVar (database versions not stated): gnomAD exomes below 0.00001; TOPMed below 0.00001; ExAC 0.00001.
gnomAD v4.1: 4 of 1,614,064 alleles (0.00025%); highest among the groups gnomAD compares: Non-Finnish European, 0.00017%; no homozygotes.

Submission:

GeneDx
Classification: Uncertain significance. Last evaluated: 2022-07-07. Review status: criteria provided, single submitter. Criteria: GeneDx Variant Classification Process June 2021. Collection method: clinical testing. Allele origin: germline. Affected: yes.
Comment: Not observed at significant frequency in large population cohorts (gnomAD); In silico analysis supports that this missense variant has a deleterious effect on protein structure/function; Has not been previously published as pathogenic or benign to our knowledge

NM_198578.4(LRRK2):c.182A>G (p.His61Arg)

Gene: LRRK2 (leucine rich repeat kinase 2; plus strand). Cytogenetic location: 12q12.
Variant type: single nucleotide variant.
Coding change: c.182A>G on transcript NM_198578.4 (MANE Select); coding-DNA position 182, A replaced by G.
Protein change: p.His61Arg; replaces histidine 61 with arginine.
Molecular consequence: missense variant.
Genome position (GRCh38, 1-based): chr12:40,225,585, A>G. VCF-style: chr12-40225585-A-G. GRCh37 (hg19) VCF-style: chr12-40619387-A-G.
Other names: short protein forms H61R.
Identifiers: ClinVar variation 1810504 (VCV001810504.1), dbSNP rs762593111, ClinGen allele CA6513012.